The following is an entry in ClinVar:

NM_000074.3(CD40LG):c.409+2T>C

Gene: CD40LG (CD40 ligand; plus strand). Cytogenetic location: Xq26.3.
Variant type: single nucleotide variant.
Coding change: c.409+2T>C on transcript NM_000074.3 (MANE Select); the canonical splice donor site of the intron after coding-DNA position 409, T replaced by C.
Molecular consequence: splice donor variant.
Genome position (GRCh38, 1-based): chrX:136,656,420, T>C. VCF-style: chrX-136656420-T-C. GRCh37 (hg19) VCF-style: chrX-135738579-T-C.
Identifiers: ClinVar variation 2737375 (VCV002737375.3), dbSNP rs2522114205, ClinGen allele CA414755208.

ClinVar aggregate classification (germline): Pathogenic (1 of 4 stars; one submission).

Conditions:
Hyper-IgM syndrome type 1. Also called: CD40 Ligand Deficiency; X-linked hyper-IgM syndrome; Immunodeficiency, X-linked, with hyper-IgM; Hyper-IgM Immunodeficiency Syndrome, Type 1. Identifiers: Orphanet 101088, MedGen C0398689, MONDO:0010626, OMIM 308230.

Submission:

Labcorp Genetics (formerly Invitae), Labcorp
Classification: Pathogenic for Hyper-IgM syndrome type 1. Last evaluated: 2023-04-22. Review status: criteria provided, single submitter. Criteria: Invitae Variant Classification Sherloc (09022015). Collection method: clinical testing. Allele origin: germline.
Comment: For these reasons, this variant has been classified as Pathogenic. Variants that disrupt the consensus splice site are a relatively common cause of aberrant splicing (PMID: 17576681, 9536098). Studies have shown that disruption of this splice site is associated with altered splicing resulting in multiple RNA products (PMID: 8550833, 15358621). Disruption of this splice site has been observed in individuals with hyper IgM syndrome (PMID: 7907793, 8550833, 9150729, 15358621). This variant is not present in population databases (gnomAD no frequency). This sequence change affects a donor splice site in intron 4 of the CD40LG gene. While this variant is not anticipated to result in nonsense mediated decay, it likely alters RNA splicing and results in a disrupted protein product.

Literature cited by the submitters: PubMed 17576681; PubMed 9536098; PubMed 8550833; PubMed 15358621; PubMed 7907793; PubMed 9150729.